The following is an entry in ClinVar:

NM_015047.3(EMC1):c.1168A>G (p.Thr390Ala)

Genes: EMC1 (ER membrane protein complex subunit 1; minus strand), EMC1-AS1 (EMC1 antisense RNA 1; plus strand). Cytogenetic location: 1p36.13.
Variant type: single nucleotide variant.
Coding change: c.1168A>G on transcript NM_015047.3 (MANE Select); coding-DNA position 1168, A replaced by G.
Protein change: p.Thr390Ala; replaces threonine 390 with alanine.
Molecular consequence: missense variant.
Genome position (GRCh38, 1-based): chr1:19,238,061, T>C on the plus strand (A>G on the coding strand, the complement: EMC1 is on the minus strand). VCF-style: chr1-19238061-T-C. GRCh37 (hg19) VCF-style: chr1-19564555-T-C.
Other names: c.1165A>G, p.Thr389Ala (NM_001271427.2, NM_001375821.1); c.1168A>G, p.Thr390Ala (NM_001271428.2, NM_001375820.1); c.1102A>G, p.Thr368Ala (NM_001271429.2); short protein forms T368A, T389A, T390A.
Identifiers: ClinVar variation 3027876 (VCV003027876.2), dbSNP rs2093579192, ClinGen allele CA338766380.

ClinVar aggregate classification (germline): Uncertain significance. Review status: criteria provided, multiple submitters, no conflicts (2 of 4 stars). 2 submissions from 2 submitters: Uncertain significance (2). Last evaluated 2025-07-15.

Conditions:
Retinal dystrophy. Also called: Inherited retinal dystrophy. Identifiers: Orphanet 71862, MedGen C0854723, MeSH D058499, MONDO:0019118, HP:0000556.

Submissions (2):

Labcorp Genetics (formerly Invitae), Labcorp
Classification: Uncertain significance. Last evaluated: 2025-07-15. Review status: criteria provided, single submitter. Criteria: Invitae Variant Classification Sherloc (09022015). Collection method: clinical testing. Allele origin: germline.
Comment: This sequence change replaces threonine, which is neutral and polar, with alanine, which is neutral and non-polar, at codon 390 of the EMC1 protein (p.Thr390Ala). This variant is not present in population databases (gnomAD no frequency). This variant has not been reported in the literature in individuals affected with EMC1-related conditions. ClinVar contains an entry for this variant (Variation ID: 3027876). Invitae Evidence Modeling of protein sequence and biophysical properties (such as structural, functional, and spatial information, amino acid conservation, physicochemical variation, residue mobility, and thermodynamic stability) indicates that this missense variant is not expected to disrupt EMC1 protein function with a negative predictive value of 80%. In summary, the available evidence is currently insufficient to determine the role of this variant in disease. Therefore, it has been classified as a Variant of Uncertain Significance.

Dept Of Ophthalmology, Nagoya University
Classification: Uncertain significance for Retinal dystrophy. Last evaluated: 2023-10-01. Review status: criteria provided, single submitter. Criteria: Submitter's publication. Collection method: research. Allele origin: germline. Affected: yes.